The following is an entry in ClinVar:

NM_001165963.4(SCN1A):c.5269G>C (p.Gly1757Arg)

Genes: SCN1A (sodium voltage-gated channel alpha subunit 1; minus strand), LOC102724058 (uncharacterized LOC102724058; plus strand). Cytogenetic location: 2q24.3.
Variant type: single nucleotide variant.
Coding change: c.5269G>C on transcript NM_001165963.4 (MANE Select); coding-DNA position 5269, G replaced by C.
Protein change: p.Gly1757Arg; replaces glycine 1757 with arginine.
Molecular consequence: missense variant. On other transcripts: non-coding transcript variant (1).
Genome position (GRCh38, 1-based): chr2:165,992,006, C>G on the plus strand (G>C on the coding strand, the complement: SCN1A is on the minus strand). VCF-style: chr2-165992006-C-G. GRCh37 (hg19) VCF-style: chr2-166848516-C-G.
Other names: c.5185G>C, p.Gly1729Arg (NM_001165964.3, NM_001353957.2, NM_001353958.2); c.5269G>C, p.Gly1757Arg (NM_001202435.3, NM_001353948.2); c.5236G>C, p.Gly1746Arg (NM_001353949.2, NM_001353950.2, NM_001353951.2 and 2 more transcripts); c.5233G>C, p.Gly1745Arg (NM_001353954.2, NM_001353955.2); c.5182G>C, p.Gly1728Arg (NM_001353960.2); c.2827G>C, p.Gly943Arg (NM_001353961.2); short protein forms G1757R, G1746R, G1729R, G1728R, G943R, G1745R.
Identifiers: ClinVar variation 530478 (VCV000530478.10), dbSNP rs1553520227, ClinGen allele CA349068320.

ClinVar aggregate classification (germline): Pathogenic. Review status: criteria provided, multiple submitters, no conflicts (2 of 4 stars). 2 submissions from 2 submitters: Pathogenic (2). Last evaluated 2026-03-31.

Conditions:
Early-infantile DEE. Also called: Early infantile epileptic encephalopathy; Ohtahara syndrome; Early infantile epileptic encephalopathy with suppression bursts. Identifiers: Orphanet 1934, MedGen C0393706, MONDO:0800491.

Submissions (2):

GeneDx
Classification: Pathogenic. Last evaluated: 2026-03-31. Review status: criteria provided, single submitter. Criteria: GeneDx Variant Classification Process June 2021. Collection method: clinical testing. Allele origin: germline.
Comment: In silico analysis supports that this missense variant has a deleterious effect on protein structure/function; This substitution is predicted to be within the extracellular loop between the S5 and S6 transmembrane segments of the fourth homologous domain; Not observed at significant frequency in large population cohorts (gnomAD); This variant is associated with the following publications: (PMID: 31440721, 27781031, 27465585)

Labcorp Genetics (formerly Invitae), Labcorp
Classification: Pathogenic for Early-infantile DEE. Last evaluated: 2025-07-30. Review status: criteria provided, single submitter. Criteria: Invitae Variant Classification Sherloc (09022015). Collection method: clinical testing. Allele origin: germline.
Comment: This sequence change replaces glycine, which is neutral and non-polar, with arginine, which is basic and polar, at codon 1757 of the SCN1A protein (p.Gly1757Arg). This variant is not present in population databases (gnomAD no frequency). This missense change has been observed in individual(s) with autosomal dominant Dravet syndrome (PMID: 27465585, 27781031; internal data). ClinVar contains an entry for this variant (Variation ID: 530478). Invitae Evidence Modeling of protein sequence and biophysical properties (such as structural, functional, and spatial information, amino acid conservation, physicochemical variation, residue mobility, and thermodynamic stability) indicates that this missense variant is expected to disrupt SCN1A protein function with a positive predictive value of 95%. For these reasons, this variant has been classified as Pathogenic.

Literature cited by the submitters: PubMed 27465585 (cited by Labcorp Genetics (formerly Invitae), Labcorp); PubMed 27781031 (cited by Labcorp Genetics (formerly Invitae), Labcorp).